The following is an entry in ClinVar:

ClinVar aggregate classification (germline): Benign/Likely benign. Review status: criteria provided, multiple submitters, no conflicts (2 of 4 stars). 3 submissions from 3 submitters: Benign (1); Likely benign (2). Last evaluated 2026-01-19.

Conditions:
Hereditary cancer-predisposing syndrome. Also called: Tumor predisposition; Neoplastic Syndromes, Hereditary; Hereditary Cancer Syndrome; Hereditary neoplastic syndrome. Identifiers: Orphanet 140162, MedGen C0027672, MeSH D009386, MONDO:0015356.
Pheochromocytoma/paraganglioma syndrome 5. Also called: Paragangliomas 5; SDHA-Related Hereditary Paraganglioma-Pheochromocytoma Syndrome. Identifiers: Orphanet 29072, MedGen C3279992, MONDO:0013602, OMIM 614165.
Mitochondrial complex II deficiency, nuclear type 1. Also called: SUCCINATE CoQ REDUCTASE DEFICIENCY. Identifiers: Orphanet 3208, MedGen C5700310, MONDO:0100294, OMIM 252011.

Submissions (3):

Labcorp Genetics (formerly Invitae), Labcorp
Classification: Likely benign for Pheochromocytoma/paraganglioma syndrome 5; Mitochondrial complex II deficiency, nuclear type 1. Last evaluated: 2026-01-19. Review status: criteria provided, single submitter. Criteria: Invitae Variant Classification Sherloc (09022015). Collection method: clinical testing. Allele origin: germline.

Myriad Genetics, Inc.
Classification: Benign for Pheochromocytoma/paraganglioma syndrome 5. Last evaluated: 2025-03-03. Review status: criteria provided, single submitter. Criteria: Myriad Autosomal Dominant, Autosomal Recessive and X-Linked Classification Criteria (2023). Collection method: clinical testing. Allele origin: unknown.
Comment: This variant is considered benign. This variant is a silent/synonymous amino acid change and it is not expected to impact splicing.

Ambry Genetics
Classification: Likely benign for Hereditary cancer-predisposing syndrome. Last evaluated: 2021-02-23. Review status: criteria provided, single submitter. Criteria: Ambry Variant Classification Scheme 2023. Collection method: clinical testing. Allele origin: germline.

NM_004168.4(SDHA):c.795C>T (p.Ser265=)

Gene: SDHA (succinate dehydrogenase complex flavoprotein subunit A; plus strand). Cytogenetic location: 5p15.33.
Variant type: single nucleotide variant.
Coding change: c.795C>T on transcript NM_004168.4 (MANE Select); coding-DNA position 795, C replaced by T.
Protein change: p.Ser265=; no amino-acid change (serine 265 retained).
Molecular consequence: synonymous variant.
Genome position (GRCh38, 1-based): chr5:230,900, C>T. VCF-style: chr5-230900-C-T. GRCh37 (hg19) VCF-style: chr5-231015-C-T.
Other names: c.651C>T, p.Ser217= (NM_001294332.2); c.795C>T, p.Ser265= (NM_001330758.2).
Identifiers: ClinVar variation 707123 (VCV000707123.14), dbSNP rs1579397171, ClinGen allele CA442691472.